The following is an entry in ClinVar:

NM_001002294.3(FMO3):c.1240dup (p.Glu414fs)

Gene: FMO3 (flavin containing dimethylaniline monoxygenase 3; plus strand). Cytogenetic location: 1q24.3.
Variant type: Duplication.
Coding change: c.1240dup on transcript NM_001002294.3 (MANE Select); coding-DNA position 1240, one base duplicated (G; older notation c.1240dupG).
Protein change: p.Glu414fs; shifts the reading frame from glutamic acid 414.
Molecular consequence: frameshift variant.
Genome position (GRCh38, 1-based): chr1:171,116,264, G duplicated; the last of 2 consecutive G bases (chr1:171,116,263-171,116,264); duplicating either gives the same sequence. VCF-style (leftmost placement, unchanged base first): chr1-171116262-T-TG. GRCh37 (hg19) VCF-style: chr1-171085402-T-TG.
Other names: c.1180dup, p.Glu394fs (NM_001319173.2); c.1051dup, p.Glu351fs (NM_001319174.2); c.1240dup, p.Glu414fs (NM_006894.6); short protein forms E394fs, E351fs, E414fs.
Identifiers: ClinVar variation 5004666 (VCV005004666.1).
Genomic context (GRCh38, chr1:171,116,262, plus strand): 5'-TATCAGGAACTTGTACTTTGCCTTCTATGGAAGACATGATGAATGATATTAATGAGAAAA[T>TG]GGAGAAAAAGCGCAAATGGTAAGAGTACCTATTGTAATAGGAGTGTAGGATTTCCATAGA-3'

ClinVar aggregate classification (germline): Pathogenic (1 of 4 stars; one submission).

Conditions:
Trimethylaminuria (TMAU). Also called: FISH-ODOR SYNDROME; Primary Trimethylaminuria; Fish malodor syndrome; Stale fish syndrome; TMAuria. Identifiers: MedGen C0342739, MONDO:0011182, OMIM 602079, HP:0003614. Disease mechanism: loss of function.

Submission:

Myriad Genetics, Inc.
Classification: Pathogenic for Trimethylaminuria. Last evaluated: 2026-05-12. Review status: criteria provided, single submitter. Criteria: Myriad Autosomal Dominant, Autosomal Recessive and X-Linked Classification Criteria (2023). Collection method: clinical testing. Allele origin: unknown.
Comment: NM_001002294.2(FMO3):c.1240dupG(E414Gfs*23) is a frameshift variant classified as pathogenic in the context of primary trimethylaminuria. E414Gfs*23 has not been observed in cases with relevant disease. Relevant functional assessments of this variant are not available in the literature. E414Gfs*23 has not been observed in referenced population frequency databases. In summary, NM_001002294.2(FMO3):c.1240dupG(E414Gfs*23) is a frameshift variant in a gene where loss of function is a known mechanism of disease and is predicted to disrupt protein function. Please note: this variant was assessed in the context of healthy population screening.